The following is an entry in ClinVar:

NM_080680.3(COL11A2):c.1005T>A (p.Gly335=)

Gene: COL11A2 (collagen type XI alpha 2 chain; minus strand). Cytogenetic location: 6p21.32.
Variant type: single nucleotide variant.
Coding change: c.1005T>A on transcript NM_080680.3 (MANE Select); coding-DNA position 1005, T replaced by A.
Protein change: p.Gly335=; no amino-acid change (glycine 335 retained).
Molecular consequence: synonymous variant. On other transcripts: intron variant (2).
Genome position (GRCh38, 1-based): chr6:33,184,259, A>T on the plus strand (T>A on the coding strand, the complement: COL11A2 is on the minus strand). VCF-style: chr6-33184259-A-T. GRCh37 (hg19) VCF-style: chr6-33152036-A-T.
Other names: c.798+2368T>A (NM_080679.3); c.861+733T>A (NM_080681.3).
Identifiers: ClinVar variation 517426 (VCV000517426.13), dbSNP rs1288780147, ClinGen allele CA566409890.

ClinVar aggregate classification (germline): Likely benign. Review status: criteria provided, multiple submitters, no conflicts (2 of 4 stars). 3 submissions from 3 submitters: Likely benign (3). Last evaluated 2026-01-28.

Allele frequency attached by ClinVar (database versions not stated): gnomAD exomes below 0.00001 and 0.00001; gnomAD 0.00001 and 0.00004; TOPMed 0.00002.
gnomAD v4.1: 75 of 1,367,270 alleles (0.0055%); highest among the groups gnomAD compares: East Asian, 0.032%; 8 homozygotes.

Submissions (3):

Labcorp Genetics (formerly Invitae), Labcorp
Classification: Likely benign. Last evaluated: 2026-01-28. Review status: criteria provided, single submitter. Criteria: Invitae Variant Classification Sherloc (09022015). Collection method: clinical testing. Allele origin: germline.

Blueprint Genetics
Classification: Likely benign. Last evaluated: 2024-09-04. Review status: criteria provided, single submitter. Criteria: ACMG Guidelines, 2015. Collection method: clinical testing. Allele origin: germline.

Laboratory for Molecular Medicine, Mass General Brigham Personalized Medicine
Classification: Likely benign. Last evaluated: 2017-06-22. Review status: criteria provided, single submitter. Criteria: LMM Criteria. Collection method: clinical testing. Allele origin: germline. Observed: 1 variant allele.
Comment: p.Gly335Gly in exon 8 of COL11A2: This variant is not expected to have clinical significance because it does not alter an amino acid residue and is not located within the splice consensus sequence. It has been identified in 1/17242 East As ian chromosomes by the Genome Aggregation Database (gnomAD).